The following is an entry in ClinVar:

NM_015466.4(PTPN23):c.4714C>G (p.Pro1572Ala)

Gene: PTPN23 (protein tyrosine phosphatase non-receptor type 23; plus strand). Cytogenetic location: 3p21.31.
Variant type: single nucleotide variant.
Coding change: c.4714C>G on transcript NM_015466.4 (MANE Select); coding-DNA position 4714, C replaced by G.
Protein change: p.Pro1572Ala; replaces proline 1572 with alanine.
Molecular consequence: missense variant.
Genome position (GRCh38, 1-based): chr3:47,412,988, C>G. VCF-style: chr3-47412988-C-G. GRCh37 (hg19) VCF-style: chr3-47454478-C-G.
Other names: c.4336C>G, p.Pro1446Ala (NM_001304482.2); short protein forms P1446A, P1572A.
Identifiers: ClinVar variation 1380020 (VCV001380020.5), dbSNP rs749411789, ClinGen allele CA352568441.
Genomic context (GRCh38, chr3:47,412,988, plus strand): 5'-CTACCTGAGGCTCCCCAGCCTAAGGAGGAGCCGCCAGTGCCTGAAGCCCCCAGCTCGGGG[C>G]CCCCCTCCTCCTCCCTGGAATTGCTGGCCTCCTTGACCCCAGAGGCCTTCTCCCTGGACA-3'
Protein context (NP_056281.1, residues 1562-1582): PPVPEAPSSG[Pro1572Ala]PSSSLELLAS

ClinVar aggregate classification (germline): Uncertain significance (1 of 4 stars; one submission).

gnomAD v4.1: 1 of 1,604,532 alleles (0.000062%); highest among the groups gnomAD compares: Admixed American, 0.0017%; no homozygotes.

Submission:

Labcorp Genetics (formerly Invitae), Labcorp
Classification: Uncertain significance. Last evaluated: 2022-08-05. Review status: criteria provided, single submitter. Criteria: Invitae Variant Classification Sherloc (09022015). Collection method: clinical testing. Allele origin: germline.
Comment: This sequence change replaces proline, which is neutral and non-polar, with alanine, which is neutral and non-polar, at codon 1572 of the PTPN23 protein (p.Pro1572Ala). This variant is present in population databases (no rsID available, gnomAD 0.1%). This variant has not been reported in the literature in individuals affected with PTPN23-related conditions. ClinVar contains an entry for this variant (Variation ID: 1380020). Algorithms developed to predict the effect of missense changes on protein structure and function are either unavailable or do not agree on the potential impact of this missense change (SIFT: "Deleterious"; PolyPhen-2: "Not Available"; Align-GVGD: "Class C0"). In summary, the available evidence is currently insufficient to determine the role of this variant in disease. Therefore, it has been classified as a Variant of Uncertain Significance.